The following is an entry in ClinVar:

NM_177972.3(TUB):c.591C>A (p.Asp197Glu)

Genes: TUB (TUB bipartite transcription factor; plus strand), RIC3 (RIC3 acetylcholine receptor chaperone; minus strand). Cytogenetic location: 11p15.4.
Variant type: single nucleotide variant.
Coding change: c.591C>A on transcript NM_177972.3 (MANE Select); coding-DNA position 591, C replaced by A.
Protein change: p.Asp197Glu; replaces aspartic acid 197 with glutamic acid.
Molecular consequence: missense variant.
Genome position (GRCh38, 1-based): chr11:8,096,710, C>A. VCF-style: chr11-8096710-C-A. GRCh37 (hg19) VCF-style: chr11-8118257-C-A.
Other names: c.756C>A, p.Asp252Glu (NM_003320.5); c.756C>A (NM_003320.4); short protein forms D252E, D197E.
Identifiers: ClinVar variation 1047304 (VCV001047304.9), dbSNP rs775236651, ClinGen allele CA379567716.

ClinVar aggregate classification (germline): Uncertain significance. Review status: criteria provided, single submitter (1 of 4 stars). 2 submissions from 2 submitters: Uncertain significance (1). 1 of the submissions does not count toward it. Last evaluated 2022-07-06.

Conditions:
TUB-related disorder. Also called: TUB-related condition.

Submissions (2):

Labcorp Genetics (formerly Invitae), Labcorp
Classification: Uncertain significance. Last evaluated: 2022-07-06. Review status: criteria provided, single submitter. Criteria: Invitae Variant Classification Sherloc (09022015). Collection method: clinical testing. Allele origin: germline.
Comment: This variant has not been reported in the literature in individuals affected with TUB-related conditions. In summary, the available evidence is currently insufficient to determine the role of this variant in disease. Therefore, it has been classified as a Variant of Uncertain Significance. Algorithms developed to predict the effect of missense changes on protein structure and function output the following: SIFT: "Tolerated"; PolyPhen-2: "Benign"; Align-GVGD: "Class C0". The glutamic acid amino acid residue is found in multiple mammalian species, which suggests that this missense change does not adversely affect protein function. ClinVar contains an entry for this variant (Variation ID: 1047304). This variant is not present in population databases (gnomAD no frequency). This sequence change replaces aspartic acid, which is acidic and polar, with glutamic acid, which is acidic and polar, at codon 252 of the TUB protein (p.Asp252Glu).

PreventionGenetics, part of Exact Sciences
Classification: Uncertain significance for TUB-related condition. Last evaluated: 2024-02-16. Review status: no assertion criteria provided. Collection method: clinical testing. Allele origin: germline. Not counted in ClinVar's aggregate classification.
Comment: The TUB c.756C>A variant is predicted to result in the amino acid substitution p.Asp252Glu. To our knowledge, this variant has not been reported in the literature or in a large population database, indicating this variant is rare. At this time, the clinical significance of this variant is uncertain due to the absence of conclusive functional and genetic evidence.